The following is an entry in ClinVar:

ClinVar aggregate classification (germline): Uncertain significance (1 of 4 stars; one submission).

Conditions:
Xanthinuria type II. Also called: Xanthine dehydrogenase and aldehyde oxidase combined deficiency of; XDH and AOX dual deficiency. Identifiers: Orphanet 3467, Orphanet 93602, MedGen C1863688, MONDO:0011346, OMIM 603592.

Allele frequency attached by ClinVar (database versions not stated): TOPMed below 0.00001; gnomAD 0.00001; gnomAD exomes 0.00001.
gnomAD v4.1: 22 of 1,614,062 alleles (0.0014%); highest among the groups gnomAD compares: Non-Finnish European, 0.0019%; no homozygotes.

Submission:

Labcorp Genetics (formerly Invitae), Labcorp
Classification: Uncertain significance for Xanthinuria type II. Last evaluated: 2022-06-12. Review status: criteria provided, single submitter. Criteria: Invitae Variant Classification Sherloc (09022015). Collection method: clinical testing. Allele origin: germline.
Comment: This sequence change replaces valine, which is neutral and non-polar, with phenylalanine, which is neutral and non-polar, at codon 790 of the XDH protein (p.Val790Phe). This variant is present in population databases (no rsID available, gnomAD 0.0009%). This variant has not been reported in the literature in individuals affected with XDH-related conditions. Algorithms developed to predict the effect of missense changes on protein structure and function are either unavailable or do not agree on the potential impact of this missense change (SIFT: "Deleterious"; PolyPhen-2: "Probably Damaging"; Align-GVGD: "Class C0"). In summary, the available evidence is currently insufficient to determine the role of this variant in disease. Therefore, it has been classified as a Variant of Uncertain Significance.

NM_000379.4(XDH):c.2368G>T (p.Val790Phe)

Gene: XDH (xanthine dehydrogenase; minus strand). Cytogenetic location: 2p23.1.
Variant type: single nucleotide variant.
Coding change: c.2368G>T on transcript NM_000379.4 (MANE Select); coding-DNA position 2368, G replaced by T.
Protein change: p.Val790Phe; replaces valine 790 with phenylalanine.
Molecular consequence: missense variant.
Genome position (GRCh38, 1-based): chr2:31,366,064, C>A on the plus strand (G>T on the coding strand, the complement: XDH is on the minus strand). VCF-style: chr2-31366064-C-A. GRCh37 (hg19) VCF-style: chr2-31588930-C-A.
Other names: short protein forms V790F.
Identifiers: ClinVar variation 2194588 (VCV002194588.1), dbSNP rs1218817642, ClinGen allele CA346504047.
Genomic context (GRCh38, chr2:31,366,064, plus strand): 5'-ACACCACAGTGCTCCGGGTCTCCTTGCCTCCAAAGCCTCCTCCCATTCTCTTCACTCGAA[C>A]CACAATCCGGTTTGCTGGAACCCCCAACATTTTTGCAACAAAGCTCTGTGAGTGAAAGAC-3'
Protein context (NP_000370.2, residues 780-800): MLGVPANRIV[Val790Phe]RVKRMGGGFG